The following is an entry in ClinVar:

NM_005529.7(HSPG2):c.9710-7T>G

Gene: HSPG2 (heparan sulfate proteoglycan 2; minus strand). Cytogenetic location: 1p36.12.
Variant type: single nucleotide variant.
Coding change: c.9710-7T>G on transcript NM_005529.7 (MANE Select); 7 bases into the intron before coding-DNA position 9710, T replaced by G.
Molecular consequence: intron variant.
Genome position (GRCh38, 1-based): chr1:21,839,557, A>C on the plus strand (T>G on the coding strand, the complement: HSPG2 is on the minus strand). VCF-style: chr1-21839557-A-C. GRCh37 (hg19) VCF-style: chr1-22166050-A-C.
Other names: c.9713-7T>G (NM_001291860.2).
Identifiers: ClinVar variation 2503285 (VCV002503285.1), dbSNP rs2098040427, ClinGen allele CA1158133026.

ClinVar aggregate classification (germline): Likely benign (1 of 4 stars; one submission).

Allele frequency attached by ClinVar (database versions not stated): gnomAD exomes below 0.00001.
gnomAD v4.1: 1 of 1,613,552 alleles (0.000062%); highest among the groups gnomAD compares: Non-Finnish European, 0.000085%; no homozygotes.

Submission:

GeneDx
Classification: Likely benign. Last evaluated: 2023-05-22. Review status: criteria provided, single submitter. Criteria: GeneDx Variant Classification Process June 2021. Collection method: clinical testing. Allele origin: germline. Affected: yes.
Comment: See Variant Classification Assertion Criteria.